The following is an entry in ClinVar:

NM_001077653.2(TBX20):c.205G>T (p.Gly69Ter)

Gene: TBX20 (T-box transcription factor 20; minus strand). Cytogenetic location: 7p14.2.
Variant type: single nucleotide variant.
Coding change: c.205G>T on transcript NM_001077653.2 (MANE Select); coding-DNA position 205, G replaced by T.
Protein change: p.Gly69Ter; replaces glycine 69 with a stop codon.
Molecular consequence: nonsense.
Genome position (GRCh38, 1-based): chr7:35,250,126, C>A on the plus strand (G>T on the coding strand, the complement: TBX20 is on the minus strand). VCF-style: chr7-35250126-C-A. GRCh37 (hg19) VCF-style: chr7-35289738-C-A.
Other names: c.205G>T, p.Gly69Ter (NM_001166220.1); short protein forms G69*.
Identifiers: ClinVar variation 1785209 (VCV001785209.2), dbSNP rs1790276091, ClinGen allele CA367265264.
Genomic context (GRCh38, chr7:35,250,126, plus strand): 5'-TGGTGGGGATCAGTGGCTCAGTGCACAGAGAGGAGGAGGACGGGCTGCTGCCACTGCCTC[C>A]ACCAAACTCCCCATGAGCATCCAGGCTGGTCAGCTCACCCAGGGGCTGGGCACAGGACGA-3'

ClinVar aggregate classification (germline): Likely pathogenic (1 of 4 stars; one submission).

Conditions:
Cardiovascular phenotype. Identifiers: MedGen CN230736.

Submission:

Ambry Genetics
Classification: Likely pathogenic for Cardiovascular phenotype. Last evaluated: 2021-08-24. Review status: criteria provided, single submitter. Criteria: Ambry Variant Classification Scheme 2023. Collection method: clinical testing. Allele origin: germline.
Comment: The p.G69* variant (also known as c.205G>T), located in coding exon 2 of the TBX20 gene, results from a G to T substitution at nucleotide position 205. This changes the amino acid from a glycine to a stop codon within coding exon 2. This alteration is expected to result in loss of function by premature protein truncation or nonsense-mediated mRNA decay. Loss of function of TBX20 has not been clearly established as a mechanism of disease; however, loss of function alterations have been detected in multiple individuals with cardiac phenotypes, including dilated cardiomyopathy (DCM), left ventricular non-compaction (LVNC), and congenital heart defects, and have been shown to segregate with disease in several families (Zhou YM et al. Mol Med Rep, 2016 Oct;14:3307-14;Huang RT et al. Int J Med Sci, 2017 Mar;14:323-332; Miszalski-Jamka K et al. Circ Cardiovasc Genet, 2017 Aug;10:[Epub ahead of print]). Based on the majority of available evidence to date, this variant is likely to be pathogenic.